The following is an entry in ClinVar:

ClinVar aggregate classification (germline): Uncertain significance (1 of 4 stars; one submission).

Conditions:
Dystonic disorder. Also called: Dystonia. Identifiers: MedGen C0013421, MONDO:0003441, HP:0001332.

Submission:

Labcorp Genetics (formerly Invitae), Labcorp
Classification: Uncertain significance for Dystonic disorder. Last evaluated: 2022-02-27. Review status: criteria provided, single submitter. Criteria: Invitae Variant Classification Sherloc (09022015). Collection method: clinical testing. Allele origin: germline.
Comment: Advanced modeling of protein sequence and biophysical properties (such as structural, functional, and spatial information, amino acid conservation, physicochemical variation, residue mobility, and thermodynamic stability) performed at Invitae indicates that this missense variant is not expected to disrupt GNAL protein function. In summary, the available evidence is currently insufficient to determine the role of this variant in disease. Therefore, it has been classified as a Variant of Uncertain Significance. This variant has not been reported in the literature in individuals affected with GNAL-related conditions. This variant is present in population databases (no rsID available, gnomAD 0.006%). This sequence change replaces lysine, which is basic and polar, with glutamine, which is neutral and polar, at codon 376 of the GNAL protein (p.Lys376Gln).

NM_182978.4(GNAL):c.1357A>C (p.Lys453Gln)

Gene: GNAL (G protein subunit alpha L; plus strand). Cytogenetic location: 18p11.21.
Variant type: single nucleotide variant.
Coding change: c.1357A>C on transcript NM_182978.4 (MANE Select); coding-DNA position 1357, A replaced by C.
Protein change: p.Lys453Gln; replaces lysine 453 with glutamine.
Molecular consequence: missense variant.
Genome position (GRCh38, 1-based): chr18:11,881,115, A>C. VCF-style: chr18-11881115-A-C. GRCh37 (hg19) VCF-style: chr18-11881114-A-C.
Other names: c.1126A>C, p.Lys376Gln (NM_001142339.3, NM_001261443.2, NM_001369387.1); c.505A>C, p.Lys169Gln (NM_001261444.2); short protein forms K376Q, K453Q, K169Q.
Identifiers: ClinVar variation 1930087 (VCV001930087.5), dbSNP rs1465354785, ClinGen allele CA401928422.
Genomic context (GRCh38, chr18:11,881,115, plus strand): 5'-ACAGAGAACATCCGCAGGGTGTTCAACGACTGCCGCGACATCATCCAGCGGATGCACCTC[A>C]AGCAGTATGAGCTCTTGTGAGGATGCTGCCGCCACCCTGCGACGGAGCGGCGCCCCGGAC-3'
Protein context (NP_892023.1, residues 443-458): CRDIIQRMHL[Lys453Gln]QYELL